The following is an entry in ClinVar:

ClinVar aggregate classification (germline): Uncertain significance. Review status: criteria provided, multiple submitters, no conflicts (2 of 4 stars). 2 submissions from 2 submitters: Uncertain significance (2). Last evaluated 2024-03-01.

Conditions:
Hypertrophic cardiomyopathy. Also called: HYPERTROPHIC MYOCARDIOPATHY. Identifiers: Orphanet 217569, MedGen C0007194, MeSH D002312, MONDO:0005045, HP:0001639.

Submissions (2):

Lildballe Lab, Aarhus University Hospital
Classification: Uncertain significance for Hypertrophic cardiomyopathy. Last evaluated: 2024-03-01. Review status: criteria provided, single submitter. Criteria: ACMG Guidelines, 2015. Collection method: research. Allele origin: germline. Affected: yes.
Comment: PM1(m), PM2(sup), PP3(sup)

Labcorp Genetics (formerly Invitae), Labcorp
Classification: Uncertain significance for Hypertrophic cardiomyopathy. Last evaluated: 2022-01-17. Review status: criteria provided, single submitter. Criteria: Invitae Variant Classification Sherloc (09022015). Collection method: clinical testing. Allele origin: germline.
Comment: ClinVar contains an entry for this variant (Variation ID: 1041809). In summary, the available evidence is currently insufficient to determine the role of this variant in disease. Therefore, it has been classified as a Variant of Uncertain Significance. This variant is found within a region of MYH7 between codons 181 and 937 that contains the majority of the myosin head domain. Missense variants in this region have been shown to be significantly overrepresented in individuals with hypertrophic cardiomyopathy (PMID: 27532257). Algorithms developed to predict the effect of missense changes on protein structure and function are either unavailable or do not agree on the potential impact of this missense change (SIFT: "Deleterious"; PolyPhen-2: "Benign"; Align-GVGD: "Class C15"). This missense change has been observed in individual(s) with dilated cardiomyopathy (PMID: 33019804). This variant is not present in population databases (gnomAD no frequency). This sequence change replaces valine, which is neutral and non-polar, with methionine, which is neutral and non-polar, at codon 891 of the MYH7 protein (p.Val891Met).

Literature cited by the submitters: PubMed 25741896 (cited by Lildballe Lab, Aarhus University Hospital); PubMed 39481677 (cited by Lildballe Lab, Aarhus University Hospital); PubMed 27532257 (cited by Labcorp Genetics (formerly Invitae), Labcorp); PubMed 33019804 (cited by Labcorp Genetics (formerly Invitae), Labcorp).

NM_000257.4(MYH7):c.2671G>A (p.Val891Met)

Genes: MYH7 (myosin heavy chain 7; minus strand), LOC126861898 (BRD4-independent group 4 enhancer GRCh37_chr14:23893609-23894808; plus strand). Cytogenetic location: 14q11.2.
Variant type: single nucleotide variant.
Coding change: c.2671G>A on transcript NM_000257.4 (MANE Select); coding-DNA position 2671, G replaced by A.
Protein change: p.Val891Met; replaces valine 891 with methionine.
Molecular consequence: missense variant.
Genome position (GRCh38, 1-based): chr14:23,424,777, C>T on the plus strand (G>A on the coding strand, the complement: MYH7 is on the minus strand). VCF-style: chr14-23424777-C-T. GRCh37 (hg19) VCF-style: chr14-23893986-C-T.
Other names: c.2671G>A (NM_000257.2); short protein forms V891M.
Identifiers: ClinVar variation 1041809 (VCV001041809.10), dbSNP rs1892624771, ClinGen allele CA389047819.